The following is an entry in ClinVar:

NM_001161.5(NUDT2):c.418C>T (p.Gln140Ter)

Gene: NUDT2 (nudix hydrolase 2; plus strand). Cytogenetic location: 9p13.3.
Variant type: single nucleotide variant.
Coding change: c.418C>T on transcript NM_001161.5 (MANE Select); coding-DNA position 418, C replaced by T.
Protein change: p.Gln140Ter; replaces glutamine 140 with a stop codon.
Molecular consequence: nonsense.
Genome position (GRCh38, 1-based): chr9:34,343,414, C>T. VCF-style: chr9-34343414-C-T. GRCh37 (hg19) VCF-style: chr9-34343412-C-T.
Other names: c.418C>T, p.Gln140Ter (NM_001244390.2, NM_147172.3, NM_147173.3); short protein forms Q140*.
Identifiers: ClinVar variation 5042568 (VCV005042568.1).
Genomic context (GRCh38, chr9:34,343,414, plus strand): 5'-GAGGAGGCCTGCCAGTTGGCTCAGTTCAAGGAGATGAAGGCAGCGCTCCAAGAAGGACAC[C>T]AGTTTCTTTGCTCCATAGAGGCCTGAGCTGACTGGAGCAGAGTCATTTGCTTCAGCAGGA-3'

ClinVar aggregate classification (germline): Uncertain significance (1 of 4 stars; one submission).

Conditions:
Intellectual developmental disorder with or without peripheral neuropathy (IDDPN). Identifiers: Orphanet 694937, MedGen C5676969, MONDO:0859240, OMIM 619844.

gnomAD v4.1: 2 of 1,604,866 alleles (0.00012%); highest among the groups gnomAD compares: South Asian, 0.0022%; no homozygotes.

Submission:

UAEU Genomics Laboratory, United Arab Emirates University
Classification: Uncertain significance for Intellectual developmental disorder with or without peripheral neuropathy. Last evaluated: 2024-08-29. Review status: criteria provided, single submitter. Criteria: ACMG Guidelines, 2015. Collection method: research. Allele origin: germline. Affected: yes. Observed: 1 variant allele.
Comment: PM2, PVS1_Moderate